The following is an entry in ClinVar:

ClinVar aggregate classification (germline): Uncertain significance (1 of 4 stars; one submission).

Conditions:
Hajdu-Cheney syndrome (HJCYS). Also called: Acroosteolysis dominant type; ACROOSTEOLYSIS WITH OSTEOPOROSIS AND CHANGES IN SKULL AND MANDIBLE; SERPENTINE FIBULA-POLYCYSTIC KIDNEY SYNDROME. Identifiers: Orphanet 955, MedGen C0917715, MONDO:0007057, OMIM 102500.

Submission:

Labcorp Genetics (formerly Invitae), Labcorp
Classification: Uncertain significance for Hajdu-Cheney syndrome. Last evaluated: 2021-11-21. Review status: criteria provided, single submitter. Criteria: Invitae Variant Classification Sherloc (09022015). Collection method: clinical testing. Allele origin: germline.
Comment: In summary, the available evidence is currently insufficient to determine the role of this variant in disease. Therefore, it has been classified as a Variant of Uncertain Significance. Algorithms developed to predict the effect of missense changes on protein structure and function (SIFT, PolyPhen-2, Align-GVGD) all suggest that this variant is likely to be disruptive. This variant has not been reported in the literature in individuals affected with NOTCH2-related conditions. This variant is not present in population databases (gnomAD no frequency). This sequence change replaces asparagine, which is neutral and polar, with isoleucine, which is neutral and non-polar, at codon 652 of the NOTCH2 protein (p.Asn652Ile).

NM_024408.4(NOTCH2):c.1955A>T (p.Asn652Ile)

Gene: NOTCH2 (notch receptor 2; minus strand). Cytogenetic location: 1p12.
Variant type: single nucleotide variant.
Coding change: c.1955A>T on transcript NM_024408.4 (MANE Select); coding-DNA position 1955, A replaced by T.
Protein change: p.Asn652Ile; replaces asparagine 652 with isoleucine.
Molecular consequence: missense variant.
Genome position (GRCh38, 1-based): chr1:119,959,463, T>A on the plus strand (A>T on the coding strand, the complement: NOTCH2 is on the minus strand). VCF-style: chr1-119959463-T-A. GRCh37 (hg19) VCF-style: chr1-120502086-T-A.
Other names: c.1955A>T, p.Asn652Ile (NM_001200001.2); short protein forms N652I.
Identifiers: ClinVar variation 1445070 (VCV001445070.6), dbSNP rs1411949035, ClinGen allele CA341869601.
Genomic context (GRCh38, chr1:119,959,463, plus strand): 5'-GGTGAGCAGACACAACTGTAGCGATTAATGCCATCCATACAGATTCCATGGATACAAGGG[T>A]TACTTGCACAGTCATCAAAATTAATTTCACAATTAACCCCTGGAAGAGAAAACCCAACGG-3'
Protein context (NP_077719.2, residues 642-662): CEINFDDCAS[Asn652Ile]PCIHGICMDG